The following is an entry in ClinVar:

NM_023036.6(DNAI2):c.1428del (p.Thr477fs)

Gene: DNAI2 (dynein axonemal intermediate chain 2; plus strand). Cytogenetic location: 17q25.1.
Variant type: Deletion.
Coding change: c.1428del on transcript NM_023036.6 (MANE Select); coding-DNA position 1428, one base deleted (C; older notation c.1428delC).
Protein change: p.Thr477fs; shifts the reading frame from threonine 477.
Molecular consequence: frameshift variant. On other transcripts: non-coding transcript variant (1).
Genome position (GRCh38, 1-based): chr17:74,310,097, C deleted; the last of 2 consecutive C bases (chr17:74,310,096-74,310,097); deleting either gives the same sequence. VCF-style (leftmost placement, unchanged base first): chr17-74310095-AC-A. GRCh37 (hg19) VCF-style: chr17-72306234-AC-A.
Other names: c.1392del, p.Thr465fs (NM_001172810.3); c.1428del, p.Thr477fs (NM_001353167.2); short protein forms T465fs, T477fs.
Identifiers: ClinVar variation 1456265 (VCV001456265.7), dbSNP rs2144113081, ClinGen allele CA2573154874.

ClinVar aggregate classification (germline): Pathogenic. Review status: criteria provided, multiple submitters, no conflicts (2 of 4 stars). 2 submissions from 2 submitters: Pathogenic (2). Last evaluated 2024-07-29.

Conditions:
Primary ciliary dyskinesia 9. Also called: CILIARY DYSKINESIA, PRIMARY, 9, WITH OR WITHOUT SITUS INVERSUS. Identifiers: Orphanet 244, MedGen C2676235, MONDO:0012906, OMIM 612444.
Primary ciliary dyskinesia. Also called: Ciliary dyskinesia. Identifiers: Orphanet 244, MedGen C0008780, MONDO:0016575, HP:0012265.

Submissions (2):

Myriad Genetics, Inc.
Classification: Pathogenic for Primary ciliary dyskinesia 9. Last evaluated: 2024-07-29. Review status: criteria provided, single submitter. Criteria: Myriad Autosomal Dominant, Autosomal Recessive and X-Linked Classification Criteria (2023). Collection method: clinical testing. Allele origin: unknown.
Comment: NM_023036.4(DNAI2):c.1428delC(T477Pfs*19) is expected to be pathogenic in the context of primary ciliary dyskinesia, DNAI2-related. This variant is predicted to lead to an abnormal or absent protein product due to the creation of a premature termination codon in DNAI2, a gene where loss-of-function variants are known to be pathogenic. Please note: this variant was assessed in the context of healthy population screening.

Labcorp Genetics (formerly Invitae), Labcorp
Classification: Pathogenic for Primary ciliary dyskinesia. Last evaluated: 2020-12-29. Review status: criteria provided, single submitter. Criteria: Invitae Variant Classification Sherloc (09022015). Collection method: clinical testing. Allele origin: germline.
Comment: This sequence change creates a premature translational stop signal (p.Thr477Profs*19) in the DNAI2 gene. It is expected to result in an absent or disrupted protein product. Loss-of-function variants in DNAI2 are known to be pathogenic (PMID: 18950741, 23891469). This variant is not present in population databases (ExAC no frequency). This variant has not been reported in the literature in individuals with DNAI2-related conditions. For these reasons, this variant has been classified as Pathogenic.

Literature cited by the submitters: PubMed 18950741 (cited by Labcorp Genetics (formerly Invitae), Labcorp); PubMed 23891469 (cited by Labcorp Genetics (formerly Invitae), Labcorp).